The following is an entry in ClinVar:

ClinVar aggregate classification (germline): Likely benign (1 of 4 stars; one submission).

Conditions:
Paget disease of bone 3. Identifiers: MedGen C4085252, MONDO:0008176, OMIM 167250.

Allele frequency attached by ClinVar (database versions not stated): gnomAD 0.00001 and 0.00046; TOPMed 0.00007; gnomAD exomes 0.00082 and 0.00173; ExAC 0.00213; 1000 Genomes Project 30x 0.00234; 1000 Genomes Project 0.00260.
gnomAD v4.1: 1,275 of 1,614,256 alleles (0.079%); highest among the groups gnomAD compares: South Asian, 1.3%; 19 homozygotes.

Submission:

Illumina Laboratory Services, Illumina
Classification: Likely benign for Paget disease of bone 3. Last evaluated: 2018-01-12. Review status: criteria provided, single submitter. Criteria: ICSL Variant Classification Criteria 13 December 2019. Collection method: clinical testing. Allele origin: germline.
Comment: This variant was observed in the ICSL laboratory as part of a predisposition screen in an ostensibly healthy population. It had not been previously curated by ICSL or reported in the Human Gene Mutation Database (HGMD: prior to June 1st, 2018), and was therefore a candidate for classification through an automated scoring system. Utilizing variant allele frequency, disease prevalence and penetrance estimates, and inheritance mode, an automated score was calculated to assess if this variant is too frequent to cause the disease. Based on the score and internal cut-off values, a variant classified as likely benign is not then subjected to further curation. The score for this variant resulted in a classification of likely benign for this disease.

NM_003900.5(SQSTM1):c.*1111G>C

Genes: MRNIP (MRN complex interacting protein; minus strand), SQSTM1 (sequestosome 1; plus strand). Cytogenetic location: 5q35.3.
Variant type: single nucleotide variant.
Coding change: c.*1111G>C on transcript NM_003900.5 (MANE Select); 1111 bases downstream of the stop codon, G replaced by C.
Molecular consequence: 3 prime UTR variant. On other transcripts: nonsense (2).
Genome position (GRCh38, 1-based): chr5:179,837,704, G>C. VCF-style: chr5-179837704-G-C. GRCh37 (hg19) VCF-style: chr5-179264704-G-C.
Other names: c.554C>G, p.Ser185Ter (NM_001017987.3); c.719C>G, p.Ser240Ter (NM_016175.4); c.*1111G>C (NM_001142298.2, NM_001142299.2); short protein forms S185*, S240*.
Identifiers: ClinVar variation 353181 (VCV000353181.5), dbSNP rs199887787, ClinGen allele CA3601062.